The following is an entry in ClinVar:

ClinVar aggregate classification (germline): Uncertain significance (1 of 4 stars; one submission).

Conditions:
Hereditary spastic paraplegia 64. Also called: Spastic paraplegia 64, autosomal recessive; ENTPD1-Related Neurodevelopmental Disorder. Identifiers: Orphanet 401810, MedGen C3810289, MONDO:0014303, OMIM 615683.

Allele frequency attached by ClinVar (database versions not stated): gnomAD 0.00001; TOPMed 0.00001; ExAC 0.00002; 1000 Genomes Project 0.00020; 1000 Genomes Project 30x 0.00031.
gnomAD v4.1: 9 of 1,614,104 alleles (0.00056%); highest among the groups gnomAD compares: Admixed American, 0.015%; no homozygotes.

Submission:

Labcorp Genetics (formerly Invitae), Labcorp
Classification: Uncertain significance for Hereditary spastic paraplegia 64. Last evaluated: 2022-07-01. Review status: criteria provided, single submitter. Criteria: Invitae Variant Classification Sherloc (09022015). Collection method: clinical testing. Allele origin: germline.
Comment: This sequence change replaces threonine, which is neutral and polar, with asparagine, which is neutral and polar, at codon 451 of the ENTPD1 protein (p.Thr451Asn). This variant is present in population databases (rs199564576, gnomAD 0.02%). This variant has not been reported in the literature in individuals affected with ENTPD1-related conditions. Algorithms developed to predict the effect of missense changes on protein structure and function (SIFT, PolyPhen-2, Align-GVGD) all suggest that this variant is likely to be disruptive. In summary, the available evidence is currently insufficient to determine the role of this variant in disease. Therefore, it has been classified as a Variant of Uncertain Significance.

NM_001776.6(ENTPD1):c.1352C>A (p.Thr451Asn)

Genes: ENTPD1 (ectonucleoside triphosphate diphosphohydrolase 1; plus strand), ENTPD1-AS1 (ENTPD1 antisense RNA 1; minus strand). Cytogenetic location: 10q24.1.
Variant type: single nucleotide variant.
Coding change: c.1352C>A on transcript NM_001776.6 (MANE Select); coding-DNA position 1352, C replaced by A.
Protein change: p.Thr451Asn; replaces threonine 451 with asparagine.
Molecular consequence: missense variant. On other transcripts: intron variant (1).
Genome position (GRCh38, 1-based): chr10:95,866,202, C>A. VCF-style: chr10-95866202-C-A. GRCh37 (hg19) VCF-style: chr10-97625959-C-A.
Other names: c.1373C>A, p.Thr458Asn (NM_001098175.2); c.1388C>A, p.Thr463Asn (NM_001164178.1); c.1229C>A, p.Thr410Asn (NM_001164179.2); c.1028C>A, p.Thr343Asn (NM_001164181.1, NM_001312654.1); c.938C>A, p.Thr313Asn (NM_001164182.2, NM_001164183.2); c.1362+1341C>A (NM_001320916.1); short protein forms T313N, T410N, T458N, T463N, T343N, T451N.
Identifiers: ClinVar variation 2063849 (VCV002063849.1), dbSNP rs199564576, ClinGen allele CA5621643.